The following is an entry in ClinVar:

ClinVar aggregate classification (germline): Conflicting classifications of pathogenicity. Review status: criteria provided, conflicting classifications (1 of 4 stars). 3 submissions from 3 submitters: Uncertain significance (2); Likely benign (1). Last evaluated 2025-11-17.

Allele frequency attached by ClinVar (database versions not stated): gnomAD exomes 0.00001 and 0.00002; TOPMed 0.00001; ExAC 0.00003; gnomAD 0.00003; 1000 Genomes Project 30x 0.00016; 1000 Genomes Project 0.00020.
gnomAD v4.1: 14 of 1,613,100 alleles (0.00087%); highest among the groups gnomAD compares: Non-Finnish European, 0.0012%; no homozygotes.

Submissions (3):

Women's Health and Genetics/Laboratory Corporation of America, LabCorp
Classification: Uncertain significance. Last evaluated: 2025-11-17. Review status: criteria provided, single submitter. Criteria: LabCorp Variant Classification Summary - May 2015. Collection method: clinical testing. Allele origin: germline.

GeneDx
Classification: Likely benign. Last evaluated: 2018-03-05. Review status: criteria provided, single submitter. Criteria: GeneDx Variant Classification (06012015). Collection method: clinical testing. Allele origin: germline. Affected: yes.
Comment: This variant is considered likely benign or benign based on one or more of the following criteria: it is a conservative change, it occurs at a poorly conserved position in the protein, it is predicted to be benign by multiple in silico algorithms, and/or has population frequency not consistent with disease.

Laboratory for Molecular Medicine, Mass General Brigham Personalized Medicine
Classification: Uncertain significance. Last evaluated: 2015-03-11. Review status: criteria provided, single submitter. Criteria: LMM Criteria. Collection method: clinical testing. Allele origin: germline. Observed: 1 variant allele.
Comment: The p.Arg5108Gly variant in TTN has not been previously reported in individuals with cardiomyopathy, but has been identified in 3/65412 of European chromosomes by the Exome Aggregation Consortium (ExAC; dbSNP ). Computational prediction tools and conservation analysis suggest that the p. Arg5108Gly variant may not impact the protein, though this information is not pr edictive enough to rule out pathogenicity. In summary, the clinical significance of the p.Arg5108Gly variant is uncertain.

NM_001267550.2(TTN):c.19054A>G (p.Arg6352Gly)

Gene: TTN (titin; minus strand). Cytogenetic location: 2q31.2.
Variant type: single nucleotide variant.
Coding change: c.19054A>G on transcript NM_001267550.2 (MANE Select); coding-DNA position 19054, A replaced by G.
Protein change: p.Arg6352Gly; replaces arginine 6352 with glycine.
Molecular consequence: missense variant. On other transcripts: intron variant (3).
Genome position (GRCh38, 1-based): chr2:178,728,984, T>C on the plus strand (A>G on the coding strand, the complement: TTN is on the minus strand). VCF-style: chr2-178728984-T-C. GRCh37 (hg19) VCF-style: chr2-179593711-T-C.
Other names: c.18103A>G, p.Arg6035Gly (NM_001256850.1); c.15322A>G, p.Arg5108Gly (NM_133378.4); c.13282+9098A>G (NM_003319.4); c.13858+9098A>G (NM_133437.4); c.13657+9098A>G (NM_133432.3); short protein forms R5108G, R6352G, R6035G.
Identifiers: ClinVar variation 229393 (VCV000229393.7), dbSNP rs569003242, ClinGen allele CA2001482.